The following is an entry in ClinVar:

ClinVar aggregate classification (germline): Uncertain significance (1 of 4 stars; one submission).

Conditions:
Ataxia-telangiectasia syndrome (AT). Also called: Ataxia-telangiectasia, complementation group D; AT, COMPLEMENTATION GROUP C; Ataxia telangiectasia (A-T); Cerebello-oculocutaneous telangiectasia; Immunodeficiency with ataxia telangiectasia; ATAXIA-TELANGIECTASIA, COMPLEMENTATION GROUP A. Identifiers: Orphanet 100, MedGen C0004135, MONDO:0008840, OMIM 208900.

Submission:

Labcorp Genetics (formerly Invitae), Labcorp
Classification: Uncertain significance for Ataxia-telangiectasia syndrome. Last evaluated: 2018-09-17. Review status: criteria provided, single submitter. Criteria: Invitae Variant Classification Sherloc (09022015). Collection method: clinical testing. Allele origin: germline.
Comment: In summary, the available evidence is currently insufficient to determine the role of this variant in disease. Therefore, it has been classified as a Variant of Uncertain Significance. Algorithms developed to predict the effect of missense changes on protein structure and function are either unavailable or do not agree on the potential impact of this missense change (SIFT: "Deleterious"; PolyPhen-2: "Benign"; Align-GVGD: "Class C0"). This variant has not been reported in the literature in individuals with ATM-related disease. This variant is not present in population databases (ExAC no frequency). This sequence change replaces leucine with phenylalanine at codon 233 of the ATM protein (p.Leu233Phe). The leucine residue is moderately conserved and there is a small physicochemical difference between leucine and phenylalanine.

NM_000051.4(ATM):c.699A>T (p.Leu233Phe)

Gene: ATM (ATM serine/threonine kinase; plus strand). Cytogenetic location: 11q22.3.
Variant type: single nucleotide variant.
Coding change: c.699A>T on transcript NM_000051.4 (MANE Select); coding-DNA position 699, A replaced by T.
Protein change: p.Leu233Phe; replaces leucine 233 with phenylalanine.
Molecular consequence: missense variant.
Genome position (GRCh38, 1-based): chr11:108,244,824, A>T. VCF-style: chr11-108244824-A-T. GRCh37 (hg19) VCF-style: chr11-108115551-A-T.
Other names: c.699A>T, p.Leu233Phe (NM_001351834.2); short protein forms L233F.
Identifiers: ClinVar variation 660381 (VCV000660381.8), dbSNP rs1555067006, ClinGen allele CA382529119.